The following is an entry in ClinVar:

ClinVar aggregate classification (germline): Uncertain significance (1 of 4 stars; one submission).

Submission:

Mayo Clinic Laboratories, Mayo Clinic
Classification: Uncertain significance. Last evaluated: 2022-12-19. Review status: criteria provided, single submitter. Criteria: ACMG Guidelines, 2015. Collection method: clinical testing. Allele origin: germline. Observed: 1 variant allele.
Comment: BP1, PM2_supporting

NM_152564.5(VPS13B):c.2224G>A (p.Ala742Thr)

Gene: VPS13B (vacuolar protein sorting 13 homolog B; plus strand). Cytogenetic location: 8q22.2.
Variant type: single nucleotide variant.
Coding change: c.2224G>A on transcript NM_152564.5 (MANE Select); coding-DNA position 2224, G replaced by A.
Protein change: p.Ala742Thr; replaces alanine 742 with threonine.
Molecular consequence: missense variant.
Genome position (GRCh38, 1-based): chr8:99,170,054, G>A. VCF-style: chr8-99170054-G-A. GRCh37 (hg19) VCF-style: chr8-100182282-G-A.
Other names: p.Ala742Thr; c.2224G>A, p.Ala742Thr (NM_015243.3, NM_017890.5); short protein forms A742T.
Identifiers: ClinVar variation 2683024 (VCV002683024.1), dbSNP rs2488877347, ClinGen allele CA371865323.